The following is an entry in ClinVar:

NM_000051.4(ATM):c.8152-4G>A

Genes: ATM (ATM serine/threonine kinase; plus strand), C11orf65 (chromosome 11 open reading frame 65; minus strand). Cytogenetic location: 11q22.3.
Variant type: single nucleotide variant.
Coding change: c.8152-4G>A on transcript NM_000051.4 (MANE Select); 4 bases into the intron before coding-DNA position 8152, G replaced by A.
Molecular consequence: intron variant.
Genome position (GRCh38, 1-based): chr11:108,335,841, G>A. VCF-style: chr11-108335841-G-A. GRCh37 (hg19) VCF-style: chr11-108206568-G-A.
Other names: c.8152-4G>A (NM_001351834.2); c.641-26770C>T (NM_001330368.2); c.695-549C>T (NM_001351110.2).
Identifiers: ClinVar variation 2064715 (VCV002064715.6), dbSNP rs2136690899, ClinGen allele CA2580083089.

ClinVar aggregate classification (germline): Likely benign. Review status: criteria provided, multiple submitters, no conflicts (2 of 4 stars). 3 submissions from 3 submitters: Likely benign (3). Last evaluated 2025-03-20.

Conditions:
Ataxia-telangiectasia syndrome (AT). Also called: Ataxia-telangiectasia, complementation group D; AT, COMPLEMENTATION GROUP C; ATAXIA-TELANGIECTASIA, COMPLEMENTATION GROUP A; ATAXIA-TELANGIECTASIA, FRESNO VARIANT; Ataxia-telangiectasia, complementation group E; LOUIS-BAR SYNDROME. Identifiers: Orphanet 100, MedGen C0004135, MONDO:0008840, OMIM 208900.
Hereditary cancer-predisposing syndrome. Also called: Tumor predisposition; Hereditary Cancer Syndrome; Hereditary neoplastic syndrome; Neoplastic Syndromes, Hereditary. Identifiers: Orphanet 140162, MedGen C0027672, MeSH D009386, MONDO:0015356.
Familial cancer of breast. Also called: BREAST CANCER, FAMILIAL; Hereditary breast cancer; hereditary breast carcinoma. Identifiers: Orphanet 227535, MedGen C0346153, MONDO:0016419, OMIM 114480. Disease mechanism: loss of function.

Submissions (3):

Ambry Genetics
Classification: Likely benign for Hereditary cancer-predisposing syndrome. Last evaluated: 2025-03-20. Review status: criteria provided, single submitter. Criteria: Ambry Variant Classification Scheme 2023. Collection method: clinical testing. Allele origin: germline.

Myriad Genetics, Inc.
Classification: Likely benign for Familial cancer of breast. Last evaluated: 2024-06-18. Review status: criteria provided, single submitter. Criteria: Myriad Autosomal Dominant, Autosomal Recessive and X-Linked Classification Criteria (2023). Collection method: clinical testing. Allele origin: unknown.
Comment: This variant is considered likely benign. This variant is intronic and is not expected to impact mRNA splicing.

Labcorp Genetics (formerly Invitae), Labcorp
Classification: Likely benign for Ataxia-telangiectasia syndrome. Last evaluated: 2021-12-29. Review status: criteria provided, single submitter. Criteria: Invitae Variant Classification Sherloc (09022015). Collection method: clinical testing. Allele origin: germline.